The following is an entry in ClinVar:

ClinVar aggregate classification (germline): Uncertain significance (1 of 4 stars; one submission).

Submission:

Labcorp Genetics (formerly Invitae), Labcorp
Classification: Uncertain significance. Last evaluated: 2019-10-09. Review status: criteria provided, single submitter. Criteria: Invitae Variant Classification Sherloc (09022015). Collection method: clinical testing. Allele origin: germline.
Comment: This sequence change replaces threonine with alanine at codon 279 of the POLE protein (p.Thr279Ala). The threonine residue is highly conserved and there is a small physicochemical difference between threonine and alanine. In summary, the available evidence is currently insufficient to determine the role of this variant in disease. Therefore, it has been classified as a Variant of Uncertain Significance. Algorithms developed to predict the effect of missense changes on protein structure and function (SIFT, PolyPhen-2, Align-GVGD) all suggest that this variant is likely to be disruptive, but these predictions have not been confirmed by published functional studies and their clinical significance is uncertain. This variant has not been reported in the literature in individuals with POLE-related conditions. This variant is not present in population databases (ExAC no frequency).

NM_006231.4(POLE):c.835A>G (p.Thr279Ala)

Gene: POLE (DNA polymerase epsilon, catalytic subunit; minus strand). Cytogenetic location: 12q24.33.
Variant type: single nucleotide variant.
Coding change: c.835A>G on transcript NM_006231.4 (MANE Select); coding-DNA position 835, A replaced by G.
Protein change: p.Thr279Ala; replaces threonine 279 with alanine.
Molecular consequence: missense variant.
Genome position (GRCh38, 1-based): chr12:132,676,620, T>C on the plus strand (A>G on the coding strand, the complement: POLE is on the minus strand). VCF-style: chr12-132676620-T-C. GRCh37 (hg19) VCF-style: chr12-133253206-T-C.
Other names: short protein forms T279A.
Identifiers: ClinVar variation 964990 (VCV000964990.9), dbSNP rs2043059460, ClinGen allele CA387364317.